The following is an entry in ClinVar:

ClinVar aggregate classification (germline): Uncertain significance. Review status: criteria provided, multiple submitters, no conflicts (2 of 4 stars). 3 submissions from 3 submitters: Uncertain significance (3). Last evaluated 2025-02-15.

Conditions:
Noonan syndrome 2 (NS2). Identifiers: Orphanet 648, MedGen C1854469, MONDO:0011531, OMIM 605275.
LZTR1-related schwannomatosis. Also called: Schwannomatosis 2; Schwannomatosis-2, susceptibility to. Identifiers: Orphanet 93921, MedGen C3810283, MONDO:0014299, OMIM 615670.
Noonan syndrome 10 (NS10). Identifiers: Orphanet 648, MedGen C4225280, MONDO:0014693, OMIM 616564.
Hereditary cancer-predisposing syndrome. Also called: Neoplastic Syndromes, Hereditary; Tumor predisposition; Hereditary neoplastic syndrome; Hereditary Cancer Syndrome. Identifiers: Orphanet 140162, MedGen C0027672, MeSH D009386, MONDO:0015356.
Cardiovascular phenotype. Identifiers: MedGen CN230736.

Allele frequency attached by ClinVar (database versions not stated): gnomAD exomes below 0.00001; ExAC 0.00001; gnomAD 0.00001; TOPMed 0.00002.
gnomAD v4.1: 8 of 1,613,402 alleles (0.0005%); highest among the groups gnomAD compares: African/African-American, 0.0053%; no homozygotes.

Submissions (3):

Labcorp Genetics (formerly Invitae), Labcorp
Classification: Uncertain significance. Last evaluated: 2025-02-15. Review status: criteria provided, single submitter. Criteria: Invitae Variant Classification Sherloc (09022015). Collection method: clinical testing. Allele origin: germline.
Comment: This sequence change replaces lysine, which is basic and polar, with arginine, which is basic and polar, at codon 156 of the LZTR1 protein (p.Lys156Arg). This variant is present in population databases (rs765597291, gnomAD 0.008%). This variant has not been reported in the literature in individuals affected with LZTR1-related conditions. ClinVar contains an entry for this variant (Variation ID: 3238294). Invitae Evidence Modeling of protein sequence and biophysical properties (such as structural, functional, and spatial information, amino acid conservation, physicochemical variation, residue mobility, and thermodynamic stability) indicates that this missense variant is not expected to disrupt LZTR1 protein function with a negative predictive value of 80%. Algorithms developed to predict the effect of sequence changes on RNA splicing suggest that this variant may disrupt the consensus splice site. In summary, the available evidence is currently insufficient to determine the role of this variant in disease. Therefore, it has been classified as a Variant of Uncertain Significance.

Fulgent Genetics
Classification: Uncertain significance for Noonan syndrome 2; LZTR1-related schwannomatosis; Noonan syndrome 10. Last evaluated: 2024-06-06. Review status: criteria provided, single submitter. Criteria: ACMG Guidelines, 2015. Collection method: clinical testing. Allele origin: germline.

Ambry Genetics
Classification: Uncertain significance for Cardiovascular phenotype; Hereditary cancer-predisposing syndrome. Last evaluated: 2023-05-30. Review status: criteria provided, single submitter. Criteria: Ambry Variant Classification Scheme 2023. Collection method: clinical testing. Allele origin: germline.
Comment: The c.467A>G variant (also known as p.K156R), located in coding exon 5 of the LZTR1 gene, results from an A to G substitution at nucleotide position 467. The lysine at codon 156 is replaced by arginine, an amino acid with highly similar properties. This nucleotide position is highly conserved in available vertebrate species. In silico splice site analysis predicts that this alteration will result in the creation or strengthening of a novel splice acceptor site; however, direct evidence is direct evidence is insufficient at this time (Ambry internal data). Since supporting evidence is limited at this time, the clinical significance of this alteration remains unclear.

NM_006767.4(LZTR1):c.467A>G (p.Lys156Arg)

Gene: LZTR1 (leucine zipper like post translational regulator 1; plus strand). Cytogenetic location: 22q11.21.
Variant type: single nucleotide variant.
Coding change: c.467A>G on transcript NM_006767.4 (MANE Select); coding-DNA position 467, A replaced by G.
Protein change: p.Lys156Arg; replaces lysine 156 with arginine.
Molecular consequence: missense variant.
Genome position (GRCh38, 1-based): chr22:20,988,076, A>G. VCF-style: chr22-20988076-A-G. GRCh37 (hg19) VCF-style: chr22-21342365-A-G.
Other names: short protein forms K156R.
Identifiers: ClinVar variation 3238294 (VCV003238294.3), dbSNP rs765597291.